The following is an entry in ClinVar:

ClinVar aggregate classification (germline): Uncertain significance (1 of 4 stars; one submission).

Conditions:
Hereditary spastic paraplegia 39 (SPG39). Also called: Spastic Paraplegia Type 39 (SPG39); SPASTIC PARAPLEGIA 39, AUTOSOMAL RECESSIVE. Identifiers: Orphanet 139480, MedGen C2677586, MONDO:0012787, OMIM 612020.

Allele frequency attached by ClinVar (database versions not stated): TOPMed below 0.00001.
gnomAD v4.1: 1 of 1,612,202 alleles (0.000062%); highest among the groups gnomAD compares: Non-Finnish European, 0.000085%; no homozygotes.

Submission:

Labcorp Genetics (formerly Invitae), Labcorp
Classification: Uncertain significance for Hereditary spastic paraplegia 39. Last evaluated: 2021-04-05. Review status: criteria provided, single submitter. Criteria: Invitae Variant Classification Sherloc (09022015). Collection method: clinical testing. Allele origin: germline.
Comment: In summary, the available evidence is currently insufficient to determine the role of this variant in disease. Therefore, it has been classified as a Variant of Uncertain Significance. Algorithms developed to predict the effect of missense changes on protein structure and function are either unavailable or do not agree on the potential impact of this missense change (SIFT: "Deleterious"; PolyPhen-2: "Benign"; Align-GVGD: "Class C0"). This variant has not been reported in the literature in individuals with PNPLA6-related conditions. This variant is not present in population databases (ExAC no frequency). This sequence change replaces proline with threonine at codon 588 of the PNPLA6 protein (p.Pro588Thr). The proline residue is highly conserved and there is a small physicochemical difference between proline and threonine.

NM_001166114.2(PNPLA6):c.1879C>A (p.Pro627Thr)

Gene: PNPLA6 (patatin like domain 6, lysophospholipase; plus strand). Cytogenetic location: 19p13.2.
Variant type: single nucleotide variant.
Coding change: c.1879C>A on transcript NM_001166114.2 (MANE Select); coding-DNA position 1879, C replaced by A.
Protein change: p.Pro627Thr; replaces proline 627 with threonine.
Molecular consequence: missense variant.
Genome position (GRCh38, 1-based): chr19:7,550,362, C>A. VCF-style: chr19-7550362-C-A. GRCh37 (hg19) VCF-style: chr19-7615248-C-A.
Other names: c.1906C>A, p.Pro636Thr (NM_001166111.2); c.1684C>A, p.Pro562Thr (NM_001166112.2); c.1762C>A, p.Pro588Thr (NM_001166113.1, NM_006702.5); short protein forms P636T, P562T, P627T, P588T.
Identifiers: ClinVar variation 1522537 (VCV001522537.8), dbSNP rs781473840, ClinGen allele CA403122473.
Genomic context (GRCh38, chr19:7,550,362, plus strand): 5'-ATGCGCGCACAGCCCAGTGTGGTGCTGAGTGCGGCGCACACGGTGGCAGCCAGGATGTCG[C>A]CCTTCGTGCGCCAGATGGACTTCGCCATCGACTGGACTGCAGTGGAGGCGGGACGCGCGC-3'
Protein context (NP_001159586.1, residues 617-637): AAHTVAARMS[Pro627Thr]FVRQMDFAID